The following is an entry in ClinVar:

NM_001735.3(C5):c.584+1G>A

Gene: C5 (complement C5; minus strand). Cytogenetic location: 9q33.2.
Variant type: single nucleotide variant.
Coding change: c.584+1G>A on transcript NM_001735.3 (MANE Select); the canonical splice donor site of the intron after coding-DNA position 584, G replaced by A.
Molecular consequence: splice donor variant.
Genome position (GRCh38, 1-based): chr9:121,034,802, C>T on the plus strand (G>A on the coding strand, the complement: C5 is on the minus strand). VCF-style: chr9-121034802-C-T. GRCh37 (hg19) VCF-style: chr9-123797080-C-T.
Other names: c.602+1G>A (NM_001317163.2); c.584+1G>A (NM_001317164.2).
Identifiers: ClinVar variation 2980455 (VCV002980455.3), dbSNP rs1270324533, ClinGen allele CA374758761.

ClinVar aggregate classification (germline): Likely pathogenic (1 of 4 stars; one submission).

Allele frequency attached by ClinVar (database versions not stated): TOPMed below 0.00001; gnomAD 0.00001.
gnomAD v4.1: 1 of 1,508,156 alleles (0.000066%); highest among the groups gnomAD compares: African/African-American, 0.0014%; no homozygotes.

Submission:

Labcorp Genetics (formerly Invitae), Labcorp
Classification: Likely pathogenic. Last evaluated: 2023-07-14. Review status: criteria provided, single submitter. Criteria: Invitae Variant Classification Sherloc (09022015). Collection method: clinical testing. Allele origin: germline.
Comment: This variant has not been reported in the literature in individuals affected with C5-related conditions. Algorithms developed to predict the effect of sequence changes on RNA splicing suggest that this variant may disrupt the consensus splice site. In summary, the currently available evidence indicates that the variant is pathogenic, but additional data are needed to prove that conclusively. Therefore, this variant has been classified as Likely Pathogenic. This sequence change affects a donor splice site in intron 5 of the C5 gene. It is expected to disrupt RNA splicing. Variants that disrupt the donor or acceptor splice site typically lead to a loss of protein function (PMID: 16199547), and loss-of-function variants in C5 are known to be pathogenic (PMID: 7730648, 19414197, 27026170). This variant is present in population databases (no rsID available, gnomAD 0.01%).

Literature cited by the submitters: PubMed 16199547; PubMed 7730648; PubMed 19414197; PubMed 27026170.